The following is an entry in ClinVar:

NM_024675.4(PALB2):c.2624T>A (p.Met875Lys)

Gene: PALB2 (partner and localizer of BRCA2; minus strand). Cytogenetic location: 16p12.2.
Variant type: single nucleotide variant.
Coding change: c.2624T>A on transcript NM_024675.4 (MANE Select); coding-DNA position 2624, T replaced by A.
Protein change: p.Met875Lys; replaces methionine 875 with lysine.
Molecular consequence: missense variant.
Genome position (GRCh38, 1-based): chr16:23,626,360, A>T on the plus strand (T>A on the coding strand, the complement: PALB2 is on the minus strand). VCF-style: chr16-23626360-A-T. GRCh37 (hg19) VCF-style: chr16-23637681-A-T.
Other names: short protein forms M875K.
Identifiers: ClinVar variation 923485 (VCV000923485.4), dbSNP rs878855110, ClinGen allele CA395122187.

ClinVar aggregate classification (germline): Uncertain significance (1 of 4 stars; one submission).

Conditions:
Hereditary cancer-predisposing syndrome. Also called: Neoplastic Syndromes, Hereditary; Tumor predisposition; Hereditary Cancer Syndrome; Hereditary neoplastic syndrome. Identifiers: Orphanet 140162, MedGen C0027672, MeSH D009386, MONDO:0015356.

Submission:

Color Diagnostics, LLC DBA Color Health
Classification: Uncertain significance for Hereditary cancer-predisposing syndrome. Last evaluated: 2024-03-06. Review status: criteria provided, single submitter. Criteria: ACMG Guidelines, 2015. Collection method: clinical testing. Allele origin: germline.
Comment: This missense variant replaces methionine with lysine at codon 875 of the PALB2 protein. Computational prediction suggests that this variant may not impact protein structure and function (internally defined REVEL score threshold <= 0.5, PMID: 27666373). Splice site prediction tools suggest that this variant may not impact RNA splicing. To our knowledge, functional studies have not been reported for this variant. This variant has not been reported in individuals affected with hereditary cancer in the literature. This variant has not been identified in the general population by the Genome Aggregation Database (gnomAD). The available evidence is insufficient to determine the role of this variant in disease conclusively. Therefore, this variant is classified as a Variant of Uncertain Significance.